The following is an entry in ClinVar:

NM_005896.4(IDH1):c.470C>A (p.Thr157Lys)

Gene: IDH1 (isocitrate dehydrogenase (NADP(+)) 1; minus strand). Cytogenetic location: 2q34.
Variant type: single nucleotide variant.
Coding change: c.470C>A on transcript NM_005896.4 (MANE Select); coding-DNA position 470, C replaced by A.
Protein change: p.Thr157Lys; replaces threonine 157 with lysine.
Molecular consequence: missense variant.
Genome position (GRCh38, 1-based): chr2:208,245,369, G>T on the plus strand (C>A on the coding strand, the complement: IDH1 is on the minus strand). VCF-style: chr2-208245369-G-T. GRCh37 (hg19) VCF-style: chr2-209110093-G-T.
Other names: c.470C>A, p.Thr157Lys (NM_001282386.1, NM_001282387.1); short protein forms T157K.
Identifiers: ClinVar variation 3225143 (VCV003225143.1), dbSNP rs2124857420, ClinGen allele CA350100387.

ClinVar aggregate classification (germline): Uncertain significance (1 of 4 stars; one submission).

Submission:

Ambry Genetics
Classification: Uncertain significance. Last evaluated: 2024-01-06. Review status: criteria provided, single submitter. Criteria: Ambry Variant Classification Scheme 2023. Collection method: clinical testing. Allele origin: germline.
Comment: The p.T157K variant (also known as c.470C>A), located in coding exon 3 of the IDH1 gene, results from a C to A substitution at nucleotide position 470. The threonine at codon 157 is replaced by lysine, an amino acid with similar properties. This amino acid position is conserved. In addition, the in silico prediction for this alteration is inconclusive. Since supporting evidence is limited at this time, the clinical significance of this alteration remains unclear.